The following is an entry in ClinVar:

ClinVar aggregate classification (germline): Uncertain significance (1 of 4 stars; one submission).

Conditions:
Combined immunodeficiency due to DOCK8 deficiency (HIES2). Also called: HYPER-IgE SYNDROME 2, AUTOSOMAL RECESSIVE, WITH RECURRENT INFECTIONS; HYPER-IgE RECURRENT INFECTION SYNDROME 2, AUTOSOMAL RECESSIVE; HIES autosomal recessive; DOCK8 Deficiency; Hyper-IgE recurrent infection syndrome, autosomal recessive. Identifiers: Orphanet 217390, MedGen C4722305, MONDO:0009478, OMIM 243700.

Allele frequency attached by ClinVar (database versions not stated): gnomAD exomes below 0.00001; TOPMed below 0.00001; gnomAD 0.00001.
gnomAD v4.1: 3 of 1,613,870 alleles (0.00019%); highest among the groups gnomAD compares: Non-Finnish European, 0.00025%; no homozygotes.

Submission:

Labcorp Genetics (formerly Invitae), Labcorp
Classification: Uncertain significance for Combined immunodeficiency due to DOCK8 deficiency. Last evaluated: 2023-08-10. Review status: criteria provided, single submitter. Criteria: Invitae Variant Classification Sherloc (09022015). Collection method: clinical testing. Allele origin: germline.
Comment: This variant is present in population databases (no rsID available, gnomAD 0.0009%). This sequence change replaces lysine, which is basic and polar, with asparagine, which is neutral and polar, at codon 1855 of the DOCK8 protein (p.Lys1855Asn). This variant has not been reported in the literature in individuals affected with DOCK8-related conditions. ClinVar contains an entry for this variant (Variation ID: 1023354). Advanced modeling of protein sequence and biophysical properties (such as structural, functional, and spatial information, amino acid conservation, physicochemical variation, residue mobility, and thermodynamic stability) performed at Invitae indicates that this missense variant is not expected to disrupt DOCK8 protein function. In summary, the available evidence is currently insufficient to determine the role of this variant in disease. Therefore, it has been classified as a Variant of Uncertain Significance.

NM_203447.4(DOCK8):c.5565G>C (p.Lys1855Asn)

Gene: DOCK8 (dedicator of cytokinesis 8; plus strand). Cytogenetic location: 9p24.3.
Variant type: single nucleotide variant.
Coding change: c.5565G>C on transcript NM_203447.4 (MANE Select); coding-DNA position 5565, G replaced by C.
Protein change: p.Lys1855Asn; replaces lysine 1855 with asparagine.
Molecular consequence: missense variant.
Genome position (GRCh38, 1-based): chr9:443,501, G>C. VCF-style: chr9-443501-G-C. GRCh37 (hg19) VCF-style: chr9-443501-G-C.
Other names: c.5265G>C, p.Lys1755Asn (NM_001190458.2); c.5361G>C, p.Lys1787Asn (NM_001193536.2); short protein forms K1755N, K1787N, K1855N.
Identifiers: ClinVar variation 1023354 (VCV001023354.7), dbSNP rs1318767415, ClinGen allele CA372768716.
Genomic context (GRCh38, chr9:443,501, plus strand): 5'-ATGTTTTGGTGCAGAATTTGTGGAAGTGATTAAAGACTCCACTCCTGTGGACAAAACCAA[G>C]TTGGATCCTAACAAGGTATACAAAAATTTACAAAAACTAACCATCAAGCTCTAAATCCCT-3'
Protein context (NP_982272.2, residues 1845-1865): IKDSTPVDKT[Lys1855Asn]LDPNKAYIQI